The following is an entry in ClinVar:

NM_004369.4(COL6A3):c.5061C>T (p.Pro1687=)

Gene: COL6A3 (collagen type VI alpha 3 chain; minus strand). Cytogenetic location: 2q37.3.
Variant type: single nucleotide variant.
Coding change: c.5061C>T on transcript NM_004369.4 (MANE Select); coding-DNA position 5061, C replaced by T.
Protein change: p.Pro1687=; no amino-acid change (proline 1687 retained).
Molecular consequence: synonymous variant.
Genome position (GRCh38, 1-based): chr2:237,367,126, G>A on the plus strand (C>T on the coding strand, the complement: COL6A3 is on the minus strand). VCF-style: chr2-237367126-G-A. GRCh37 (hg19) VCF-style: chr2-238275769-G-A.
Other names: c.3240C>T, p.Pro1080= (NM_057166.5); c.4443C>T, p.Pro1481= (NM_057167.4).
Identifiers: ClinVar variation 387510 (VCV000387510.3), dbSNP rs1057522807, ClinGen allele CA16604415.

ClinVar aggregate classification (germline): Likely benign. Review status: criteria provided, multiple submitters, no conflicts (2 of 4 stars). 2 submissions from 2 submitters: Likely benign (2). Last evaluated 2024-09-02.

Conditions:
Bethlem myopathy 1A. Also called: MYOPATHY, BENIGN CONGENITAL, WITH CONTRACTURES; Bethlem Muscular Dystrophy; Bethlem myopathy 1. Identifiers: Orphanet 610, MedGen CN029274, MONDO:0024530, OMIM 158810.

Allele frequency attached by ClinVar (database versions not stated): gnomAD exomes below 0.00001; TOPMed below 0.00001.
gnomAD v4.1: 1 of 1,614,180 alleles (0.000062%); highest among the groups gnomAD compares: Admixed American, 0.0017%; no homozygotes.

Submissions (2):

Labcorp Genetics (formerly Invitae), Labcorp
Classification: Likely benign for Bethlem myopathy 1A. Last evaluated: 2024-09-02. Review status: criteria provided, single submitter. Criteria: Invitae Variant Classification Sherloc (09022015). Collection method: clinical testing. Allele origin: germline.

GeneDx
Classification: Likely benign. Last evaluated: 2016-07-15. Review status: criteria provided, single submitter. Criteria: GeneDx Variant Classification (06012015). Collection method: clinical testing. Allele origin: germline. Affected: yes.
Comment: This variant is considered likely benign or benign based on one or more of the following criteria: it is a conservative change, it occurs at a poorly conserved position in the protein, it is predicted to be benign by multiple in silico algorithms, and/or has population frequency not consistent with disease.